The following is an entry in ClinVar:

ClinVar aggregate classification (germline): Likely benign. Review status: criteria provided, multiple submitters, no conflicts (2 of 4 stars). 2 submissions from 2 submitters: Likely benign (2). Last evaluated 2025-08-06.

Allele frequency attached by ClinVar (database versions not stated): gnomAD 0.00001; ExAC 0.00002.
gnomAD v4.1: 21 of 1,613,482 alleles (0.0013%); highest among the groups gnomAD compares: South Asian, 0.0055%; 1 homozygote.

Submissions (2):

Labcorp Genetics (formerly Invitae), Labcorp
Classification: Likely benign. Last evaluated: 2025-08-06. Review status: criteria provided, single submitter. Criteria: Invitae Variant Classification Sherloc (09022015). Collection method: clinical testing. Allele origin: germline.

CeGaT Center for Human Genetics Tuebingen
Classification: Likely benign. Last evaluated: 2022-09-01. Review status: criteria provided, single submitter. Criteria: CeGaT Center For Human Genetics Tuebingen Variant Classification Criteria Version 2. Collection method: clinical testing. Allele origin: germline. Affected: yes. Observed: 1 variant allele.
Comment: RHOBTB2: BP4, BP7

NM_015178.3(RHOBTB2):c.1038C>T (p.Asp346=)

Gene: RHOBTB2 (Rho related BTB domain containing 2; plus strand). Cytogenetic location: 8p21.3.
Variant type: single nucleotide variant.
Coding change: c.1038C>T on transcript NM_015178.3 (MANE Select); coding-DNA position 1038, C replaced by T.
Protein change: p.Asp346=; no amino-acid change (aspartic acid 346 retained).
Molecular consequence: synonymous variant.
Genome position (GRCh38, 1-based): chr8:23,007,283, C>T. VCF-style: chr8-23007283-C-T. GRCh37 (hg19) VCF-style: chr8-22864796-C-T.
Other names: c.1104C>T, p.Asp368= (NM_001160036.2); c.1059C>T, p.Asp353= (NM_001160037.2); c.1038C>T, p.Asp346= (NM_001374791.1).
Identifiers: ClinVar variation 1626897 (VCV001626897.32), dbSNP rs777287975, ClinGen allele CA4672589.
Genomic context (GRCh38, chr8:23,007,283, plus strand): 5'-CCACCACCATCACCACCACCACCATGGGCGAGACTTCCTGCTCCGAGCAGCCAGCTTTGA[C>T]GTGTGCGAGAGCGTGGATGAGGCTGGGGGCTCCGGTCCTGCTGGCCTCCGTGCTTCCACC-3'
Protein context (NP_055993.2, residues 336-356): RDFLLRAASF[Asp346=]VCESVDEAGG